The following is an entry in ClinVar:

ClinVar aggregate classification (germline): Uncertain significance. Review status: criteria provided, multiple submitters, no conflicts (2 of 4 stars). 2 submissions from 2 submitters: Uncertain significance (2). Last evaluated 2025-09-25.

Conditions:
Spastic paraplegia. Identifiers: MedGen C0037772, HP:0001258.

gnomAD v4.1: 11 of 1,521,604 alleles (0.00072%); highest among the groups gnomAD compares: Admixed American, 0.019%; no homozygotes.

Submissions (2):

Mayo Clinic Laboratories, Mayo Clinic
Classification: Uncertain significance. Last evaluated: 2025-09-25. Review status: criteria provided, single submitter. Criteria: ACMG Guidelines, 2015. Collection method: clinical testing. Allele origin: germline. Observed: 1 variant allele.
Comment: BP4

Labcorp Genetics (formerly Invitae), Labcorp
Classification: Uncertain significance for Spastic paraplegia. Last evaluated: 2024-10-26. Review status: criteria provided, single submitter. Criteria: Invitae Variant Classification Sherloc (09022015). Collection method: clinical testing. Allele origin: germline.
Comment: This sequence change replaces glycine, which is neutral and non-polar, with serine, which is neutral and polar, at codon 300 of the GJC2 protein (p.Gly300Ser). This variant is present in population databases (rs746260453, gnomAD 0.04%). This variant has not been reported in the literature in individuals affected with GJC2-related conditions. ClinVar contains an entry for this variant (Variation ID: 2158907). Invitae Evidence Modeling of protein sequence and biophysical properties (such as structural, functional, and spatial information, amino acid conservation, physicochemical variation, residue mobility, and thermodynamic stability) indicates that this missense variant is not expected to disrupt GJC2 protein function with a negative predictive value of 95%. In summary, the available evidence is currently insufficient to determine the role of this variant in disease. Therefore, it has been classified as a Variant of Uncertain Significance.

NM_020435.4(GJC2):c.898G>A (p.Gly300Ser)

Gene: GJC2 (gap junction protein gamma 2; plus strand). Cytogenetic location: 1q42.13.
Variant type: single nucleotide variant.
Coding change: c.898G>A on transcript NM_020435.4 (MANE Select); coding-DNA position 898, G replaced by A.
Protein change: p.Gly300Ser; replaces glycine 300 with serine.
Molecular consequence: missense variant.
Genome position (GRCh38, 1-based): chr1:228,158,656, G>A. VCF-style: chr1-228158656-G-A. GRCh37 (hg19) VCF-style: chr1-228346357-G-A.
Other names: p.Gly300Ser; short protein forms G300S.
Identifiers: ClinVar variation 2158907 (VCV002158907.5), dbSNP rs746260453, ClinGen allele CA1430925.